The following is an entry in ClinVar:

NM_015338.6(ASXL1):c.1663G>A (p.Val555Ile)

Gene: ASXL1 (ASXL transcriptional regulator 1; plus strand). Cytogenetic location: 20q11.21.
Variant type: single nucleotide variant.
Coding change: c.1663G>A on transcript NM_015338.6 (MANE Select); coding-DNA position 1663, G replaced by A.
Protein change: p.Val555Ile; replaces valine 555 with isoleucine.
Molecular consequence: missense variant.
Genome position (GRCh38, 1-based): chr20:32,433,861, G>A. VCF-style: chr20-32433861-G-A. GRCh37 (hg19) VCF-style: chr20-31021664-G-A.
Other names: c.1480G>A, p.Val494Ile (NM_001363734.1); short protein forms V494I, V555I.
Identifiers: ClinVar variation 3438984 (VCV003438984.1).
Genomic context (GRCh38, chr20:32,433,861, plus strand): 5'-TTTCCCGAAAAGAAGCCCCGGCTTGAAGATCGTCAGTCCTTTCGTAACACAATTGAAAGT[G>A]TTCACACCGAAAAGCCACAGCCCACTAAAGAGGAGCCCAAAGTCCCGCCCATCCGGGTAG-3'
Protein context (NP_056153.2, residues 545-565): RQSFRNTIES[Val555Ile]HTEKPQPTKE

ClinVar aggregate classification (germline): Uncertain significance (1 of 4 stars; one submission).

Conditions:
Inborn genetic diseases. Identifiers: MedGen C0950123, MeSH D030342.

gnomAD v4.1: 4 of 1,613,822 alleles (0.00025%); highest among the groups gnomAD compares: African/African-American, 0.0013%; no homozygotes.

Submission:

Ambry Genetics
Classification: Uncertain significance for Inborn genetic diseases. Last evaluated: 2024-11-28. Review status: criteria provided, single submitter. Criteria: Ambry Variant Classification Scheme 2023. Collection method: clinical testing. Allele origin: germline.
Comment: The p.V555I variant (also known as c.1663G>A), located in coding exon 12 of the ASXL1 gene, results from a G to A substitution at nucleotide position 1663. The valine at codon 555 is replaced by isoleucine, an amino acid with highly similar properties. This amino acid position is conserved. In addition, this alteration is predicted to be tolerated by in silico analysis. Based on the available evidence, the clinical significance of this variant remains unclear.